The following is an entry in ClinVar:

NM_000059.4(BRCA2):c.8331+14C>T

Gene: BRCA2 (BRCA2 DNA repair associated; plus strand). Cytogenetic location: 13q13.1.
Variant type: single nucleotide variant.
Coding change: c.8331+14C>T on transcript NM_000059.4 (MANE Select); 14 bases into the intron after coding-DNA position 8331, C replaced by T.
Molecular consequence: intron variant.
Genome position (GRCh38, 1-based): chr13:32,363,547, C>T. VCF-style: chr13-32363547-C-T. GRCh37 (hg19) VCF-style: chr13-32937684-C-T.
Identifiers: ClinVar variation 462478 (VCV000462478.29), dbSNP rs1287378096, ClinGen allele CA609453927.

ClinVar aggregate classification (germline): Benign/Likely benign. Review status: criteria provided, multiple submitters, no conflicts (2 of 4 stars). 6 submissions from 6 submitters: Benign (1); Likely benign (4). 1 of the submissions does not count toward it. Last evaluated 2026-04-06.

Conditions:
Hereditary cancer-predisposing syndrome. Also called: Tumor predisposition; Hereditary Cancer Syndrome; Hereditary neoplastic syndrome; Neoplastic Syndromes, Hereditary. Identifiers: Orphanet 140162, MedGen C0027672, MeSH D009386, MONDO:0015356.
Breast-ovarian cancer, familial, susceptibility to, 2 (BROVCA2). Also called: BRCA2 Hereditary Breast and Ovarian Cancer. Identifiers: Orphanet 145, MedGen C2675520, MONDO:0012933, OMIM 612555. Disease mechanism: loss of function.
Hereditary breast ovarian cancer syndrome. Also called: Hereditary breast and ovarian cancer syndrome (HBOC); Breast and ovarian cancer; Hereditary breast and ovarian cancer; Hereditary breast and ovarian cancer syndrome; BRCA1- and BRCA2-Associated Hereditary Breast and Ovarian Cancer; Hereditary breast and/or ovarian cancer syndrome. Identifiers: Orphanet 145, MedGen C0677776, MeSH D061325, MONDO:0003582. Disease mechanism: loss of function.

Allele frequency attached by ClinVar (database versions not stated): gnomAD exomes below 0.00001 and 0.00001; gnomAD 0.00001; TOPMed 0.00001.
gnomAD v4.1: 2 of 1,600,642 alleles (0.00012%); highest among the groups gnomAD compares: Non-Finnish European, 0.00017%; no homozygotes.

Submissions (6):

Women's Health and Genetics/Laboratory Corporation of America, LabCorp
Classification: Likely benign. Last evaluated: 2026-04-06. Review status: criteria provided, single submitter. Criteria: LabCorp Variant Classification Summary - May 2015. Collection method: clinical testing. Allele origin: germline.
Comment: Variant summary: BRCA2 c.8331+14C>T alters a nucleotide located at a position not widely known to affect splicing. Consensus agreement among computation tools predict no significant impact on normal splicing. However, these predictions have yet to be confirmed by functional studies. The variant allele was found at a frequency of 8.2e-06 in 245066 control chromosomes. The available data on variant occurrences in the general population are insufficient to allow any conclusion about variant significance. To our knowledge, no occurrence of c.8331+14C>T in individuals affected with BRCA2-related conditions and no experimental evidence demonstrating its impact on protein function have been reported. ClinVar contains an entry for this variant (Variation ID: 462478). Based on the evidence outlined above, the variant was classified as likely benign.

Labcorp Genetics (formerly Invitae), Labcorp
Classification: Likely benign for Hereditary breast ovarian cancer syndrome. Last evaluated: 2025-12-19. Review status: criteria provided, single submitter. Criteria: Invitae Variant Classification Sherloc (09022015). Collection method: clinical testing. Allele origin: germline.

ARUP Laboratories, Molecular Genetics and Genomics, ARUP Laboratories
Classification: Likely benign. Last evaluated: 2020-07-27. Review status: criteria provided, single submitter. Criteria: ARUP Molecular Germline Variant Investigation Process. Collection method: clinical testing. Allele origin: germline.

Color Diagnostics, LLC DBA Color Health
Classification: Likely benign for Hereditary cancer-predisposing syndrome. Last evaluated: 2015-08-11. Review status: criteria provided, single submitter. Criteria: ACMG Guidelines, 2015. Collection method: clinical testing. Allele origin: germline.

GeneDx
Classification: Benign. Last evaluated: 2015-03-03. Review status: criteria provided, single submitter. Criteria: GeneDx Variant Classification Process June 2021. Collection method: clinical testing. Allele origin: germline. Affected: yes.

Counsyl
Classification: Likely benign for Breast-ovarian cancer, familial, susceptibility to, 2. Last evaluated: 2017-11-17. Review status: no assertion criteria provided. Collection method: clinical testing. Allele origin: unknown. Not counted in ClinVar's aggregate classification.